The following is an entry in ClinVar:

NM_015346.4(ZFYVE26):c.6190G>A (p.Gly2064Arg)

Gene: ZFYVE26 (zinc finger FYVE-type containing 26; minus strand). Cytogenetic location: 14q24.1.
Variant type: single nucleotide variant.
Coding change: c.6190G>A on transcript NM_015346.4 (MANE Select); coding-DNA position 6190, G replaced by A.
Protein change: p.Gly2064Arg; replaces glycine 2064 with arginine.
Molecular consequence: missense variant.
Genome position (GRCh38, 1-based): chr14:67,762,382, C>T on the plus strand (G>A on the coding strand, the complement: ZFYVE26 is on the minus strand). VCF-style: chr14-67762382-C-T. GRCh37 (hg19) VCF-style: chr14-68229099-C-T.
Other names: short protein forms G2064R.
Identifiers: ClinVar variation 1187172 (VCV001187172.6), dbSNP rs368378082, ClinGen allele CA7239287.
Genomic context (GRCh38, chr14:67,762,382, plus strand): 5'-CCCGTGCAGCAGTGAGGTTCCCGGCTTTGAGGCAGGCCATGCCCCAAGCATGCCACGCCC[C>T]GGTGGTATCAAGCCCAGTCTTTGTGGAGACCTGGGAGAAAAATTGCCCCTTTTAGTGAGT-3'
Protein context (NP_056161.2, residues 2054-2074): VSTKTGLDTT[Gly2064Arg]AWHAWGMACL

ClinVar aggregate classification (germline): Uncertain significance. Review status: criteria provided, multiple submitters, no conflicts (2 of 4 stars). 3 submissions from 3 submitters: Uncertain significance (3). Last evaluated 2025-08-25.

Conditions:
Spastic paraplegia. Identifiers: MedGen C0037772, HP:0001258.
Inborn genetic diseases. Identifiers: MedGen C0950123, MeSH D030342.

Allele frequency attached by ClinVar (database versions not stated): gnomAD exomes 0.00004; ESP Exome Variant Server 0.00015; ExAC 0.00002; gnomAD 0.00003; TOPMed 0.00003.
gnomAD v4.1: 65 of 1,613,956 alleles (0.004%); highest among the groups gnomAD compares: South Asian, 0.019%; no homozygotes.

Submissions (3):

Ambry Genetics
Classification: Uncertain significance for Inborn genetic diseases. Last evaluated: 2025-08-25. Review status: criteria provided, single submitter. Criteria: Ambry Variant Classification Scheme 2023. Collection method: clinical testing. Allele origin: germline.

Labcorp Genetics (formerly Invitae), Labcorp
Classification: Uncertain significance for Spastic paraplegia. Last evaluated: 2022-06-06. Review status: criteria provided, single submitter. Criteria: Invitae Variant Classification Sherloc (09022015). Collection method: clinical testing. Allele origin: germline.
Comment: This sequence change replaces glycine, which is neutral and non-polar, with arginine, which is basic and polar, at codon 2064 of the ZFYVE26 protein (p.Gly2064Arg). This variant is present in population databases (rs368378082, gnomAD 0.02%). This variant has not been reported in the literature in individuals affected with ZFYVE26-related conditions. ClinVar contains an entry for this variant (Variation ID: 1187172). Algorithms developed to predict the effect of missense changes on protein structure and function are either unavailable or do not agree on the potential impact of this missense change (SIFT: "Deleterious"; PolyPhen-2: "Probably Damaging"; Align-GVGD: "Class C0"). Algorithms developed to predict the effect of sequence changes on RNA splicing suggest that this variant may create or strengthen a splice site. In summary, the available evidence is currently insufficient to determine the role of this variant in disease. Therefore, it has been classified as a Variant of Uncertain Significance.

GeneDx
Classification: Uncertain significance. Last evaluated: 2021-06-02. Review status: criteria provided, single submitter. Criteria: GeneDx Variant Classification Process June 2021. Collection method: clinical testing. Allele origin: germline. Affected: yes.
Comment: In silico analysis supports that this missense variant has a deleterious effect on protein structure/function; Has not been previously published as pathogenic or benign to our knowledge; This variant is associated with the following publications: (PMID: 27535533)